The following is an entry in ClinVar:

NM_016284.5(CNOT1):c.2075T>C (p.Met692Thr)

Gene: CNOT1 (CCR4-NOT transcription complex subunit 1; minus strand). Cytogenetic location: 16q21.
Variant type: single nucleotide variant.
Coding change: c.2075T>C on transcript NM_016284.5 (MANE Select); coding-DNA position 2075, T replaced by C.
Protein change: p.Met692Thr; replaces methionine 692 with threonine.
Molecular consequence: missense variant. On other transcripts: non-coding transcript variant (1).
Genome position (GRCh38, 1-based): chr16:58,560,267, A>G on the plus strand (T>C on the coding strand, the complement: CNOT1 is on the minus strand). VCF-style: chr16-58560267-A-G. GRCh37 (hg19) VCF-style: chr16-58594171-A-G.
Other names: c.2075T>C, p.Met692Thr (NM_001265612.2, NM_206999.3); short protein forms M692T.
Identifiers: ClinVar variation 1980815 (VCV001980815.4), dbSNP rs375010240, ClinGen allele CA8089765.
Genomic context (GRCh38, chr16:58,560,267, plus strand): 5'-TTTACCTGAACAGGAGAAATGGCATCTAAGCTGCTAGCACTAGGAGGACGTCCTTTTGGC[A>G]TAACTCCAGGTGGTGGTTGTCTGGCCTTATTCATAACATTACTGCAATTGGCTACCATGG-3'
Protein context (NP_057368.3, residues 682-702): NKARQPPPGV[Met692Thr]PKGRPPSASS

ClinVar aggregate classification (germline): Uncertain significance (1 of 4 stars; one submission).

Allele frequency attached by ClinVar (database versions not stated): ExAC 0.00001; gnomAD 0.00002; TOPMed 0.00003; ESP Exome Variant Server 0.00008.
gnomAD v4.1: 46 of 1,614,106 alleles (0.0028%); highest among the groups gnomAD compares: Non-Finnish European, 0.0031%; no homozygotes.

Submission:

Labcorp Genetics (formerly Invitae), Labcorp
Classification: Uncertain significance. Last evaluated: 2025-02-03. Review status: criteria provided, single submitter. Criteria: Invitae Variant Classification Sherloc (09022015). Collection method: clinical testing. Allele origin: germline.
Comment: This sequence change replaces methionine, which is neutral and non-polar, with threonine, which is neutral and polar, at codon 692 of the CNOT1 protein (p.Met692Thr). This variant is present in population databases (rs375010240, gnomAD 0.02%). This variant has not been reported in the literature in individuals affected with CNOT1-related conditions. ClinVar contains an entry for this variant (Variation ID: 1980815). An algorithm developed to predict the effect of missense changes on protein structure and function (PolyPhen-2) suggests that this variant is likely to be tolerated. In summary, the available evidence is currently insufficient to determine the role of this variant in disease. Therefore, it has been classified as a Variant of Uncertain Significance.